The following is an entry in ClinVar:

NM_015272.5(RPGRIP1L):c.1259T>G (p.Leu420Arg)

Gene: RPGRIP1L (RPGRIP1 like; minus strand). Cytogenetic location: 16q12.2.
Variant type: single nucleotide variant.
Coding change: c.1259T>G on transcript NM_015272.5 (MANE Select); coding-DNA position 1259, T replaced by G.
Protein change: p.Leu420Arg; replaces leucine 420 with arginine.
Molecular consequence: missense variant.
Genome position (GRCh38, 1-based): chr16:53,658,863, A>C on the plus strand (T>G on the coding strand, the complement: RPGRIP1L is on the minus strand). VCF-style: chr16-53658863-A-C. GRCh37 (hg19) VCF-style: chr16-53692775-A-C.
Other names: c.1259T>G, p.Leu420Arg (NM_001127897.4, NM_001308334.3, NM_001330538.2); short protein forms L420R.
Identifiers: ClinVar variation 4792236 (VCV004792236.1).

ClinVar aggregate classification (germline): Uncertain significance (1 of 4 stars; one submission).

Conditions:
Meckel-Gruber syndrome. Also called: GRUBER SYNDROME; DYSENCEPHALIA SPLANCHNOCYSTICA; Dysencephalia splachnocystica. Identifiers: Orphanet 564, MedGen C0265215, MONDO:0018921.
Joubert syndrome. Also called: Familial aplasia of the vermis; JOUBERT-BOLTSHAUSER SYNDROME; CEREBELLOPARENCHYMAL DISORDER IV. Identifiers: Orphanet 475, MedGen C5979921, MONDO:0018772.

Submission:

Labcorp Genetics (formerly Invitae), Labcorp
Classification: Uncertain significance for Joubert syndrome; Meckel-Gruber syndrome. Last evaluated: 2025-11-23. Review status: criteria provided, single submitter. Criteria: Invitae Variant Classification Sherloc (09022015). Collection method: clinical testing. Allele origin: germline.
Comment: This sequence change replaces leucine, which is neutral and non-polar, with arginine, which is basic and polar, at codon 420 of the RPGRIP1L protein (p.Leu420Arg). This variant is not present in population databases (gnomAD no frequency). This variant has not been reported in the literature in individuals affected with RPGRIP1L-related conditions. Invitae Evidence Modeling of protein sequence and biophysical properties (such as structural, functional, and spatial information, amino acid conservation, physicochemical variation, residue mobility, and thermodynamic stability) indicates that this missense variant is expected to disrupt RPGRIP1L protein function with a positive predictive value of 80%. In summary, the available evidence is currently insufficient to determine the role of this variant in disease. Therefore, it has been classified as a Variant of Uncertain Significance.